The following is an entry in ClinVar:

ClinVar aggregate classification (germline): Uncertain significance. Review status: criteria provided, multiple submitters, no conflicts (2 of 4 stars). 2 submissions from 2 submitters: Uncertain significance (2). Last evaluated 2025-04-25.

Submissions (2):

Ambry Genetics
Classification: Uncertain significance. Last evaluated: 2025-04-25. Review status: criteria provided, single submitter. Criteria: Ambry Variant Classification Scheme 2023. Collection method: clinical testing. Allele origin: germline.

Labcorp Genetics (formerly Invitae), Labcorp
Classification: Uncertain significance. Last evaluated: 2023-09-27. Review status: criteria provided, single submitter. Criteria: Invitae Variant Classification Sherloc (09022015). Collection method: clinical testing. Allele origin: germline.
Comment: This sequence change replaces aspartic acid, which is acidic and polar, with histidine, which is basic and polar, at codon 1717 of the CACNA1B protein (p.Asp1717His). This variant is not present in population databases (gnomAD no frequency). This variant has not been reported in the literature in individuals affected with CACNA1B-related conditions. Advanced modeling of protein sequence and biophysical properties (such as structural, functional, and spatial information, amino acid conservation, physicochemical variation, residue mobility, and thermodynamic stability) performed at Invitae indicates that this missense variant is expected to disrupt CACNA1B protein function. In summary, the available evidence is currently insufficient to determine the role of this variant in disease. Therefore, it has been classified as a Variant of Uncertain Significance.

NM_000718.4(CACNA1B):c.5149G>C (p.Asp1717His)

Gene: CACNA1B (calcium voltage-gated channel subunit alpha1 B; plus strand). Cytogenetic location: 9q34.3.
Variant type: single nucleotide variant.
Coding change: c.5149G>C on transcript NM_000718.4 (MANE Select); coding-DNA position 5149, G replaced by C.
Protein change: p.Asp1717His; replaces aspartic acid 1717 with histidine.
Molecular consequence: missense variant.
Genome position (GRCh38, 1-based): chr9:138,096,538, G>C. VCF-style: chr9-138096538-G-C. GRCh37 (hg19) VCF-style: chr9-140990990-G-C.
Other names: c.5149G>C, p.Asp1717His (NM_001243812.2); c.5149G>C (NM_000718.3); short protein forms D1717H.
Identifiers: ClinVar variation 2847859 (VCV002847859.4), dbSNP rs2539551136, ClinGen allele CA375812079.